The following is an entry in ClinVar:

NM_001040108.2(MLH3):c.2362C>G (p.Pro788Ala)

Gene: MLH3 (mutL homolog 3; minus strand). Cytogenetic location: 14q24.3.
Variant type: single nucleotide variant.
Coding change: c.2362C>G on transcript NM_001040108.2 (MANE Select); coding-DNA position 2362, C replaced by G.
Protein change: p.Pro788Ala; replaces proline 788 with alanine.
Molecular consequence: missense variant.
Genome position (GRCh38, 1-based): chr14:75,047,294, G>C on the plus strand (C>G on the coding strand, the complement: MLH3 is on the minus strand). VCF-style: chr14-75047294-G-C. GRCh37 (hg19) VCF-style: chr14-75513997-G-C.
Other names: c.2362C>G, p.Pro788Ala (NM_014381.3); short protein forms P788A.
Identifiers: ClinVar variation 2448601 (VCV002448601.2), dbSNP rs758319075, ClinGen allele CA390440864.

ClinVar aggregate classification (germline): Uncertain significance (1 of 4 stars; one submission).

Submission:

Ambry Genetics
Classification: Uncertain significance. Last evaluated: 2022-11-10. Review status: criteria provided, single submitter. Criteria: Ambry Variant Classification Scheme 2023. Collection method: clinical testing. Allele origin: germline.
Comment: The p.P788A variant (also known as c.2362C>G), located in coding exon 1 of the MLH3 gene, results from a C to G substitution at nucleotide position 2362. The proline at codon 788 is replaced by alanine, an amino acid with highly similar properties. This amino acid position is conserved. In addition, this alteration is predicted to be tolerated by in silico analysis. Since supporting evidence is limited at this time, the clinical significance of this alteration remains unclear.